The following is an entry in ClinVar:

NM_144672.4(OTOA):c.1489-1G>A

Gene: OTOA (otoancorin). Cytogenetic location: 16p12.2.
Variant type: single nucleotide variant.
Coding change: c.1489-1G>A on transcript NM_144672.4 (MANE Select); the canonical splice acceptor site of the intron before coding-DNA position 1489, G replaced by A.
Molecular consequence: splice acceptor variant.
Genome position (GRCh38, 1-based): chr16:21,716,906, G>A. VCF-style: chr16-21716906-G-A. GRCh37 (hg19) VCF-style: chr16-21728227-G-A.
Other names: c.1252-1G>A (NM_001161683.2); c.517-1G>A (NM_170664.3).
Identifiers: ClinVar variation 2995307 (VCV002995307.3), dbSNP rs2507033596, ClinGen allele CA395063667.
Genomic context (GRCh38, chr16:21,716,906, plus strand): 5'-CCTTCCTCAAAGCTCAATGCATTTTTTACAATGTTGTTTTGTTGCTTCTCGCTTCTGGCA[G>A]ATGGTCCAAGCGGAAGACACTGCCCCAGGCATCGTGGAGATACAAGGGGCTTTCTTTAAG-3'

ClinVar aggregate classification (germline): Likely pathogenic (1 of 4 stars; one submission).

Submission:

Labcorp Genetics (formerly Invitae), Labcorp
Classification: Likely pathogenic. Last evaluated: 2023-11-04. Review status: criteria provided, single submitter. Criteria: Invitae Variant Classification Sherloc (09022015). Collection method: clinical testing. Allele origin: germline.
Comment: This sequence change affects an acceptor splice site in intron 13 of the OTOA gene. It is expected to disrupt RNA splicing. Variants that disrupt the donor or acceptor splice site typically lead to a loss of protein function (PMID: 16199547), and loss-of-function variants in OTOA are known to be pathogenic (PMID: 11972037). This variant is not present in population databases (gnomAD no frequency). This variant has not been reported in the literature in individuals affected with OTOA-related conditions. Algorithms developed to predict the effect of sequence changes on RNA splicing suggest that this variant may disrupt the consensus splice site. In summary, the currently available evidence indicates that the variant is pathogenic, but additional data are needed to prove that conclusively. Therefore, this variant has been classified as Likely Pathogenic.

Literature cited by the submitters: PubMed 16199547; PubMed 11972037.